The following is an entry in ClinVar:

NM_003494.4(DYSF):c.[1670T>C];[4701C>G]

Variant type: CompoundHeterozygote.
Identifiers: ClinVar variation 433558 (VCV000433558.2).

ClinVar aggregate classification (germline): Likely pathogenic (0 of 4 stars; one submission).

Conditions:
Autosomal recessive limb-girdle muscular dystrophy type 2B (LGMDR2). Also called: Limb-Girdle Muscular Dystrophy Type 2B (LGMD2B); MUSCULAR DYSTROPHY, LIMB-GIRDLE, TYPE 3; Limb-girdle muscular dystrophy, type 2B; MUSCULAR DYSTROPHY, LIMB-GIRDLE, AUTOSOMAL RECESSIVE 2. Identifiers: Orphanet 268, MedGen C1850889, MONDO:0009676, OMIM 253601.

Submission:

Foundation for Research in Genetics and Endocrinology, FRIGE's Institute of Human Genetics
Classification: Likely pathogenic for Autosomal recessive limb-girdle muscular dystrophy type 2B. Last evaluated: 2017-07-19. Review status: no assertion criteria provided. Collection method: clinical testing. Allele origin: germline. Inheritance: Autosomal recessive inheritance. Affected: yes. Observed: 1 variant allele, 1 compound heterozygote.
Comment: The Y1567T variant is not reported in either 1000 Genomes or ExAC databases. The in silico prediction of the variant is damaging by LRT and Mutation Taster2. The L574P variant has a minor allele frequency of 0.02% and 0.002% in 1000 genomes and ExAC database respectively. The in silico prediction of the variant is damaging by SIFT and MutationTaster2.